The following is an entry in ClinVar:

ClinVar aggregate classification (germline): Pathogenic (1 of 4 stars; one submission).

Conditions:
Renal cysts and diabetes syndrome (RCAD). Also called: Familial hypoplastic, glomerulocystic kidney; MATURITY-ONSET DIABETES OF THE YOUNG, TYPE 5. Identifiers: Orphanet 93111, MedGen C0431693, MONDO:0007669, OMIM 137920.

Submission:

Institute of Human Genetics, FAU Erlangen, Friedrich-Alexander-Universität Erlangen-Nürnberg
Classification: Pathogenic for Renal cysts and diabetes syndrome. Last evaluated: 2019-07-06. Review status: criteria provided, single submitter. Criteria: ACMG Guidelines, 2015. Collection method: literature only. Allele origin: germline. Affected: yes.
Comment: This variant and it's classification has been reported by Vasileiou et al. 2019; DOI:10.1101/576918. The variants has previously been reported in PMID:25536396 as "c.1118-?_1045+?dup Exon5" with clinical significance Pathogenic. It has been re-classified using InterVar and manual curation as Pathogenic based on PVS1 PM2 PP3.

Literature cited by the submitters: PubMed 25536396; DOI 10.1101/576918.

NM_000458.4(HNF1B):c.1047_1206+1dup

Gene: HNF1B (HNF1 homeobox B; minus strand). Cytogenetic location: 17q12.
Variant type: Duplication.
Coding change: c.1047_1206+1dup on transcript NM_000458.4 (MANE Select); coding-DNA position 1047 through the canonical splice donor site of the intron after coding-DNA position 1206, 161 bases duplicated.
Molecular consequence: splice acceptor variant, splice donor variant.
Genome position (GRCh38, 1-based): chr17:37,710,502-37,710,662, 161 bases duplicated. GRCh37 (hg19): chr17:36,070,512-36,070,672.
Other names: c.969_1128+1dup (NM_001304286.2, NM_001165923.4).
Identifiers: ClinVar variation 635601 (VCV000635601.1), dbSNP rs2511723229, ClinGen allele CA913190756.